The following is an entry in ClinVar:

ClinVar aggregate classification (germline): Pathogenic (1 of 4 stars; one submission).

Conditions:
Chromosome 13q33-q34 deletion syndrome. Identifiers: MedGen C5436890, MONDO:0030896, OMIM 619148.

Submission:

Kasturba Medical College, Manipal, Kasturba Medical College, Manipal, Manipal Academy of Higher Education, Manipal, India
Classification: Pathogenic for Chromosome 13q33-q34 deletion syndrome. Review status: criteria provided, single submitter. Criteria: ACMG/ClinGen CNV Guidelines, 2019. Collection method: research. Allele origin: unknown. Affected: yes. Observed: 1 heterozygote.
Comment: Individuals with 13q33-q34 deletion syndrome present with developmental delay, intellectual disability, facial dysmorphism, cardiovascular anomalies, genitourinary malformations and other systemic abnormalities (Sagi-Dain et al., 2019). The clinical features observed in proband are in concordance with 13q33-q34 deletion syndrome.

Literature cited by the submitters: PubMed 31321490.

Single allele

Genes: ABHD13 (abhydrolase domain containing 13; plus strand), ADPRHL1 (ADP-ribosylhydrolase like 1; minus strand), ANKRD10 (ankyrin repeat domain 10; minus strand), ARGLU1 (arginine and glutamate rich 1; minus strand), ARGLU1-DT (ARGLU1 divergent transcript; plus strand) and 366 more. Cytogenetic location: 13q33.1-34.
Variant type: Deletion.
Identifiers: ClinVar variation 3902834 (VCV003902834.1).